The following is an entry in ClinVar:

NM_016335.6(PRODH):c.19C>T (p.Leu7=)

Gene: PRODH (proline dehydrogenase 1; minus strand). Cytogenetic location: 22q11.21.
Variant type: single nucleotide variant.
Coding change: c.19C>T on transcript NM_016335.6 (MANE Select); coding-DNA position 19, C replaced by T.
Protein change: p.Leu7=; no amino-acid change (leucine 7 retained).
Molecular consequence: synonymous variant. On other transcripts: 5 prime UTR variant (1), intron variant (1).
Genome position (GRCh38, 1-based): chr22:18,936,269, G>A on the plus strand (C>T on the coding strand, the complement: PRODH is on the minus strand). VCF-style: chr22-18936269-G-A. GRCh37 (hg19) VCF-style: chr22-18923782-G-A.
Other names: c.-151C>T (NM_001368250.2); c.-52+121C>T (NM_001195226.2).
Identifiers: ClinVar variation 2042956 (VCV002042956.27), dbSNP rs1167044898, ClinGen allele CA513186427.

ClinVar aggregate classification (germline): Benign/Likely benign. Review status: criteria provided, multiple submitters, no conflicts (2 of 4 stars). 3 submissions from 3 submitters: Benign (1); Likely benign (2). Last evaluated 2024-04-26.

Conditions:
Proline dehydrogenase deficiency (HYRPRO1). Also called: PROLINE OXIDASE DEFICIENCY; Hyperprolinemia type 1. Identifiers: Orphanet 419, MedGen C0268529, MONDO:0009400, OMIM 239500.

Submissions (3):

Blueprint Genetics
Classification: Likely benign. Last evaluated: 2024-04-26. Review status: criteria provided, single submitter. Criteria: ACMG Guidelines, 2015. Collection method: clinical testing. Allele origin: germline.

CeGaT Center for Human Genetics Tuebingen
Classification: Likely benign. Last evaluated: 2024-02-01. Review status: criteria provided, single submitter. Criteria: CeGaT Center For Human Genetics Tuebingen Variant Classification Criteria Version 2. Collection method: clinical testing. Allele origin: germline. Affected: yes. Observed: 1 variant allele.
Comment: PRODH: BP4, BP7

Labcorp Genetics (formerly Invitae), Labcorp
Classification: Benign for Proline dehydrogenase deficiency. Last evaluated: 2023-09-21. Review status: criteria provided, single submitter. Criteria: Invitae Variant Classification Sherloc (09022015). Collection method: clinical testing. Allele origin: germline.